The following is an entry in ClinVar:

ClinVar aggregate classification (germline): Uncertain significance (1 of 4 stars; one submission).

Allele frequency attached by ClinVar (database versions not stated): TOPMed below 0.00001; gnomAD exomes 0.00001.

Submission:

Labcorp Genetics (formerly Invitae), Labcorp
Classification: Uncertain significance. Last evaluated: 2023-12-31. Review status: criteria provided, single submitter. Criteria: Invitae Variant Classification Sherloc (09022015). Collection method: clinical testing. Allele origin: germline.
Comment: This sequence change affects codon 1408 of the COL7A1 mRNA. It is a 'silent' change, meaning that it does not change the encoded amino acid sequence of the COL7A1 protein. This variant also falls at the last nucleotide of exon 37, which is part of the consensus splice site for this exon. This variant is not present in population databases (gnomAD no frequency). This variant has not been reported in the literature in individuals affected with COL7A1-related conditions. Variants that disrupt the consensus splice site are a relatively common cause of aberrant splicing (PMID: 17576681, 9536098). Algorithms developed to predict the effect of sequence changes on RNA splicing suggest that this variant may disrupt the consensus splice site. In summary, the available evidence is currently insufficient to determine the role of this variant in disease. Therefore, it has been classified as a Variant of Uncertain Significance.

Literature cited by the submitters: PubMed 17576681; PubMed 9536098.

NM_000094.4(COL7A1):c.4224G>A (p.Arg1408=)

Gene: COL7A1 (collagen type VII alpha 1 chain; minus strand). Cytogenetic location: 3p21.31.
Variant type: single nucleotide variant.
Coding change: c.4224G>A on transcript NM_000094.4 (MANE Select); coding-DNA position 4224, G replaced by A.
Protein change: p.Arg1408=; no amino-acid change (arginine 1408 retained).
Molecular consequence: synonymous variant.
Genome position (GRCh38, 1-based): chr3:48,584,035, C>T on the plus strand (G>A on the coding strand, the complement: COL7A1 is on the minus strand). VCF-style: chr3-48584035-C-T. GRCh37 (hg19) VCF-style: chr3-48621468-C-T.
Identifiers: ClinVar variation 2722264 (VCV002722264.1), dbSNP rs2045009914, ClinGen allele CA433542776.